The following is an entry in ClinVar:

NM_006767.4(LZTR1):c.118T>C (p.Tyr40His)

Genes: LZTR1 (leucine zipper like post translational regulator 1; plus strand), LOC130067016 (ATAC-STARR-seq lymphoblastoid silent region 13504; plus strand). Cytogenetic location: 22q11.21.
Variant type: single nucleotide variant.
Coding change: c.118T>C on transcript NM_006767.4 (MANE Select); coding-DNA position 118, T replaced by C.
Protein change: p.Tyr40His; replaces tyrosine 40 with histidine.
Molecular consequence: missense variant.
Genome position (GRCh38, 1-based): chr22:20,982,489, T>C. VCF-style: chr22-20982489-T-C. GRCh37 (hg19) VCF-style: chr22-21336778-T-C.
Other names: short protein forms Y40H.
Identifiers: ClinVar variation 1307218 (VCV001307218.9), dbSNP rs146436209, ClinGen allele CA322316179.

ClinVar aggregate classification (germline): Uncertain significance. Review status: criteria provided, multiple submitters, no conflicts (2 of 4 stars). 3 submissions from 3 submitters: Uncertain significance (3). Last evaluated 2025-12-30.

Conditions:
Cardiovascular phenotype. Identifiers: MedGen CN230736.
Hereditary cancer-predisposing syndrome. Also called: Tumor predisposition; Neoplastic Syndromes, Hereditary; Hereditary Cancer Syndrome; Hereditary neoplastic syndrome. Identifiers: Orphanet 140162, MedGen C0027672, MeSH D009386, MONDO:0015356.

Allele frequency attached by ClinVar (database versions not stated): gnomAD exomes below 0.00001; gnomAD 0.00001; TOPMed 0.00002; ESP Exome Variant Server 0.00008.
gnomAD v4.1: 3 of 1,612,206 alleles (0.00019%); highest among the groups gnomAD compares: African/African-American, 0.0013%; no homozygotes.

Submissions (3):

Labcorp Genetics (formerly Invitae), Labcorp
Classification: Uncertain significance. Last evaluated: 2025-12-30. Review status: criteria provided, single submitter. Criteria: Invitae Variant Classification Sherloc (09022015). Collection method: clinical testing. Allele origin: germline.
Comment: This sequence change replaces tyrosine, which is neutral and polar, with histidine, which is basic and polar, at codon 40 of the LZTR1 protein (p.Tyr40His). This variant is not present in population databases (gnomAD no frequency). This variant has not been reported in the literature in individuals affected with LZTR1-related conditions. ClinVar contains an entry for this variant (Variation ID: 1307218). Invitae Evidence Modeling of protein sequence and biophysical properties (such as structural, functional, and spatial information, amino acid conservation, physicochemical variation, residue mobility, and thermodynamic stability) indicates that this missense variant is not expected to disrupt LZTR1 protein function with a negative predictive value of 80%. In summary, the available evidence is currently insufficient to determine the role of this variant in disease. Therefore, it has been classified as a Variant of Uncertain Significance.

GeneDx
Classification: Uncertain significance. Last evaluated: 2024-06-20. Review status: criteria provided, single submitter. Criteria: GeneDx Variant Classification Process June 2021. Collection method: clinical testing. Allele origin: germline. Affected: yes.
Comment: Not observed at significant frequency in large population cohorts (gnomAD); In silico analysis indicates that this missense variant does not alter protein structure/function; Has not been previously published as pathogenic or benign to our knowledge

Ambry Genetics
Classification: Uncertain significance for Cardiovascular phenotype; Hereditary cancer-predisposing syndrome. Last evaluated: 2024-01-26. Review status: criteria provided, single submitter. Criteria: Ambry Variant Classification Scheme 2023. Collection method: clinical testing. Allele origin: germline.
Comment: The p.Y40H variant (also known as c.118T>C), located in coding exon 1 of the LZTR1 gene, results from a T to C substitution at nucleotide position 118. The tyrosine at codon 40 is replaced by histidine, an amino acid with similar properties. This alteration was not identified in a cohort of 20 unrelated individuals with a personal and/or family history of schwannomatosis, but was detected in a healthy control population (Piotrowski A et al. Nat Genet, 2014 Feb;46:182-7). This amino acid position is highly conserved in available vertebrate species. In addition, the in silico prediction for this alteration is inconclusive. Since supporting evidence is limited at this time, the clinical significance of this alteration remains unclear.